The following is an entry in ClinVar:

ClinVar aggregate classification (germline): Uncertain significance. Review status: criteria provided, multiple submitters, no conflicts (2 of 4 stars). 5 submissions from 5 submitters: Uncertain significance (5). Last evaluated 2025-12-10.

Conditions:
Colorectal cancer, susceptibility to, 12 (CRCS12). Also called: COLORECTAL CANCER, SUSCEPTIBILITY TO, ON CHROMOSOME 12q24. Identifiers: Orphanet 220460, MedGen C3554460, MONDO:0014038, OMIM 615083.
Facial dysmorphism-immunodeficiency-livedo-short stature syndrome. Also called: Facial dysmorphism, immunodeficiency, livedo, and short stature; FILS syndrome. Identifiers: Orphanet 352712, MedGen C3554576, MONDO:0014058, OMIM 615139.
Hereditary cancer-predisposing syndrome. Also called: Hereditary Cancer Syndrome; Neoplastic Syndromes, Hereditary; Tumor predisposition; Hereditary neoplastic syndrome. Identifiers: Orphanet 140162, MedGen C0027672, MeSH D009386, MONDO:0015356.

Allele frequency attached by ClinVar (database versions not stated): gnomAD 0.00001; gnomAD exomes 0.00001; TOPMed 0.00001; 1000 Genomes Project 30x 0.00016; 1000 Genomes Project 0.00020.
gnomAD v4.1: 9 of 1,612,610 alleles (0.00056%); highest among the groups gnomAD compares: East Asian, 0.0022%; no homozygotes.

Submissions (5):

Labcorp Genetics (formerly Invitae), Labcorp
Classification: Uncertain significance. Last evaluated: 2025-12-10. Review status: criteria provided, single submitter. Criteria: Invitae Variant Classification Sherloc (09022015). Collection method: clinical testing. Allele origin: germline.
Comment: This sequence change replaces arginine, which is basic and polar, with tryptophan, which is neutral and slightly polar, at codon 705 of the POLE protein (p.Arg705Trp). The frequency data for this variant in the population databases is considered unreliable, as metrics indicate poor data quality at this position in the gnomAD database. This variant has not been reported in the literature in individuals affected with POLE-related conditions. ClinVar contains an entry for this variant (Variation ID: 540760). Invitae Evidence Modeling of protein sequence and biophysical properties (such as structural, functional, and spatial information, amino acid conservation, physicochemical variation, residue mobility, and thermodynamic stability) indicates that this missense variant is expected to disrupt POLE protein function with a positive predictive value of 80%. In summary, the available evidence is currently insufficient to determine the role of this variant in disease. Therefore, it has been classified as a Variant of Uncertain Significance.

Ambry Genetics
Classification: Uncertain significance for Hereditary cancer-predisposing syndrome. Last evaluated: 2024-12-16. Review status: criteria provided, single submitter. Criteria: Ambry Variant Classification Scheme 2023. Collection method: clinical testing. Allele origin: germline.
Comment: The p.R705W variant (also known as c.2113C>T), located in coding exon 19 of the POLE gene, results from a C to T substitution at nucleotide position 2113. The arginine at codon 705 is replaced by tryptophan, an amino acid with dissimilar properties. This amino acid position is highly conserved in available vertebrate species. In addition, the in silico prediction for this alteration is inconclusive. Based on the available evidence, the clinical significance of this variant remains unclear.

Blueprint Genetics
Classification: Uncertain significance. Last evaluated: 2024-10-15. Review status: criteria provided, single submitter. Criteria: ACMG Guidelines, 2015. Collection method: clinical testing. Allele origin: germline.

GeneDx
Classification: Uncertain significance. Last evaluated: 2020-06-16. Review status: criteria provided, single submitter. Criteria: GeneDx Variant Classification Process June 2021. Collection method: clinical testing. Allele origin: germline. Affected: yes.
Comment: Not observed at a significant frequency in large population cohorts (Lek 2016); In silico analysis supports that this missense variant has a deleterious effect on protein structure/function; Has not been previously published as a pathogenic or benign germline variant to our knowledge; This variant is associated with the following publications: (PMID: 31829442, 29625053, 29056344, 28481359)

Fulgent Genetics
Classification: Uncertain significance for Colorectal cancer, susceptibility to, 12; Facial dysmorphism-immunodeficiency-livedo-short stature syndrome. Last evaluated: 2018-10-31. Review status: criteria provided, single submitter. Criteria: ACMG Guidelines, 2015. Collection method: clinical testing. Allele origin: unknown.

NM_006231.4(POLE):c.2113C>T (p.Arg705Trp)

Gene: POLE (DNA polymerase epsilon, catalytic subunit; minus strand). Cytogenetic location: 12q24.33.
Variant type: single nucleotide variant.
Coding change: c.2113C>T on transcript NM_006231.4 (MANE Select); coding-DNA position 2113, C replaced by T.
Protein change: p.Arg705Trp; replaces arginine 705 with tryptophan.
Molecular consequence: missense variant.
Genome position (GRCh38, 1-based): chr12:132,668,416, G>A on the plus strand (C>T on the coding strand, the complement: POLE is on the minus strand). VCF-style: chr12-132668416-G-A. GRCh37 (hg19) VCF-style: chr12-133245002-G-A.
Other names: short protein forms R705W.
Identifiers: ClinVar variation 540760 (VCV000540760.18), dbSNP rs200621883, ClinGen allele CA6893676.